The following is an entry in ClinVar:

ClinVar aggregate classification (germline): Likely benign (1 of 4 stars; one submission).

Allele frequency attached by ClinVar (database versions not stated): ExAC 0.00001.

Submission:

CeGaT Center for Human Genetics Tuebingen
Classification: Likely benign. Last evaluated: 2023-06-01. Review status: criteria provided, single submitter. Criteria: CeGaT Center For Human Genetics Tuebingen Variant Classification Criteria Version 2. Collection method: clinical testing. Allele origin: germline. Affected: yes. Observed: 2 variant alleles.
Comment: CST4: BP4, BP7

NM_001899.3(CST4):c.54T>C (p.Ala18=)

Gene: CST4 (cystatin S; minus strand). Cytogenetic location: 20p11.21.
Variant type: single nucleotide variant.
Coding change: c.54T>C on transcript NM_001899.3 (MANE Select); coding-DNA position 54, T replaced by C.
Protein change: p.Ala18=; no amino-acid change (alanine 18 retained).
Molecular consequence: synonymous variant.
Genome position (GRCh38, 1-based): chr20:23,688,916, A>G on the plus strand (T>C on the coding strand, the complement: CST4 is on the minus strand). VCF-style: chr20-23688916-A-G. GRCh37 (hg19) VCF-style: chr20-23669553-A-G.
Identifiers: ClinVar variation 2652244 (VCV002652244.24), dbSNP rs768798547, ClinGen allele CA9790546.